The following is an entry in ClinVar:

NM_000092.5(COL4A4):c.4768C>T (p.Gln1590Ter)

Gene: COL4A4 (collagen type IV alpha 4 chain; minus strand). Cytogenetic location: 2q36.3.
Variant type: single nucleotide variant.
Coding change: c.4768C>T on transcript NM_000092.5 (MANE Select); coding-DNA position 4768, C replaced by T.
Protein change: p.Gln1590Ter; replaces glutamine 1590 with a stop codon.
Molecular consequence: nonsense.
Genome position (GRCh38, 1-based): chr2:227,008,059, G>A on the plus strand (C>T on the coding strand, the complement: COL4A4 is on the minus strand). VCF-style: chr2-227008059-G-A. GRCh37 (hg19) VCF-style: chr2-227872775-G-A.
Other names: c.4768C>T (NM_000092.4); short protein forms Q1590*.
Identifiers: ClinVar variation 562368 (VCV000562368.2), dbSNP rs1559395617, ClinGen allele CA351140524.

ClinVar aggregate classification (germline): Pathogenic. Review status: criteria provided, single submitter (1 of 4 stars). 2 submissions from 2 submitters: Pathogenic (1). 1 of the submissions does not count toward it. Last evaluated 2023-12-21.

Conditions:
Alport syndrome. Also called: Hemorrhagic familial nephritis; Hemorrhagic hereditary nephritis; Congenital hereditary hematuria. Identifiers: Orphanet 63, MedGen C1567741, MONDO:0018965.

Submissions (2):

Victorian Clinical Genetics Services, Murdoch Childrens Research Institute
Classification: Pathogenic for Alport syndrome. Last evaluated: 2023-12-21. Review status: criteria provided, single submitter. Criteria: ACMG Guidelines, 2015. Collection method: clinical testing. Allele origin: germline. Affected: yes.
Comment: Based on the classification scheme VCGS_Germline_v1.3.4, this variant is classified as Pathogenic. Following criteria are met: 0103 - Loss of function is a known mechanism of disease for this gene and is associated with Alport syndrome (MONDO:0018965), COL4A4-related. Dominant negative is a suspected mechanism of disease for this gene as it is a structural protein (PMIDs: 12028435, 24046192). (I) 0108 - This gene is associated with both recessive and dominant disease. Alport syndrome typically has biallelic inheritance, although rare cases of monoallelic inheritance have been reported (PMID: 28704582). Thin basement membrane nephropathy (TBMN) and focal segmental glomerulosclerosis (FSGS) are associated with autosomal dominant inheritance (OMIM, PMIDs: 16467446, 17942953). (I) 0205 - Variant is predicted to result in a truncated protein (premature termination codon is NOT located at least 54 nucleotides upstream of the final exon-exon junction) with less than 1/3 of the protein sequence affected. (SP) 0251 - This variant is heterozygous. (I) 0301 - Variant is absent from gnomAD (both v2 and v3). (SP) 0600 - Variant would result in the loss of most of the second annotated C4-terminal tandem domain (DECIPHER). (I) 0701 - Other truncating variants comparable to the one identified in this case have very strong previous evidence for pathogenicity (ClinVar). (SP) 0803 - This variant has limited previous evidence of pathogenicity in an unrelated individual. This variant has been reported in an individual with kidney disease (ClinVar, PMID: 36161695). (SP) 0905 - No published segregation evidence has been identified for this variant. (I) 1007 - No published functional evidence has been identified for this variant. (I) 1208 - Inheritance information for this variant is not currently available in this individual. (I) Legend: (SP) - Supporting pathogenic, (I) - Information, (SB) - Supporting benign

Gharavi Laboratory, Columbia University
Classification: Pathogenic. Last evaluated: 2018-09-16. Review status: no assertion criteria provided. Criteria: ACMG Guidelines, 2015. Collection method: research. Allele origin: germline. Affected: yes. Not counted in ClinVar's aggregate classification.

Literature cited by the submitters: PubMed 12028435 (cited by Victorian Clinical Genetics Services, Murdoch Childrens Research Institute); PubMed 16467446 (cited by Victorian Clinical Genetics Services, Murdoch Childrens Research Institute); PubMed 17942953 (cited by Victorian Clinical Genetics Services, Murdoch Childrens Research Institute); PubMed 24046192 (cited by Victorian Clinical Genetics Services, Murdoch Childrens Research Institute); PubMed 28704582 (cited by Victorian Clinical Genetics Services, Murdoch Childrens Research Institute); PubMed 36161695 (cited by Victorian Clinical Genetics Services, Murdoch Childrens Research Institute).